The following is an entry in ClinVar:

ClinVar aggregate classification (germline): Uncertain significance (1 of 4 stars; one submission).

Conditions:
Maple syrup urine disease (MSUD). Identifiers: Orphanet 511, MedGen C0024776, MeSH D008375, MONDO:0009563. Disease mechanism: loss of function.

Submission:

Labcorp Genetics (formerly Invitae), Labcorp
Classification: Uncertain significance for Maple syrup urine disease. Last evaluated: 2022-07-06. Review status: criteria provided, single submitter. Criteria: Invitae Variant Classification Sherloc (09022015). Collection method: clinical testing. Allele origin: germline.
Comment: In summary, the available evidence is currently insufficient to determine the role of this variant in disease. Therefore, it has been classified as a Variant of Uncertain Significance. Algorithms developed to predict the effect of missense changes on protein structure and function (SIFT, PolyPhen-2, Align-GVGD) all suggest that this variant is likely to be disruptive. This variant has not been reported in the literature in individuals affected with BCKDHB-related conditions. This variant is not present in population databases (gnomAD no frequency). This sequence change replaces lysine, which is basic and polar, with methionine, which is neutral and non-polar, at codon 166 of the BCKDHB protein (p.Lys166Met).

NM_183050.4(BCKDHB):c.497A>T (p.Lys166Met)

Gene: BCKDHB (branched chain keto acid dehydrogenase E1 subunit beta; plus strand). Cytogenetic location: 6q14.1.
Variant type: single nucleotide variant.
Coding change: c.497A>T on transcript NM_183050.4 (MANE Select); coding-DNA position 497, A replaced by T.
Protein change: p.Lys166Met; replaces lysine 166 with methionine.
Molecular consequence: missense variant. On other transcripts: non-coding transcript variant (1).
Genome position (GRCh38, 1-based): chr6:80,168,894, A>T. VCF-style: chr6-80168894-A-T. GRCh37 (hg19) VCF-style: chr6-80878611-A-T.
Other names: c.497A>T, p.Lys166Met (NM_000056.5); c.287A>T, p.Lys96Met (NM_001318975.1); short protein forms K166M, K96M.
Identifiers: ClinVar variation 2060785 (VCV002060785.4), dbSNP rs1402705633, ClinGen allele CA364657731.
Genomic context (GRCh38, chr6:80,168,894, plus strand): 5'-GACTCATTGTGCCATGCCCCGTCTTTCTTTCTGACCCTCAGATTGTTAATGAAGCTGCCA[A>T]GTATCGCTATCGCTCTGGGGATCTTTTTAACTGTGGAAGCCTCACTATCCGGTCCCCTTG-3'
Protein context (NP_898871.1, residues 156-176): AFDQIVNEAA[Lys166Met]YRYRSGDLFN